The following is an entry in ClinVar:

ClinVar aggregate classification (germline): Uncertain significance. Review status: criteria provided, multiple submitters, no conflicts (2 of 4 stars). 2 submissions from 2 submitters: Uncertain significance (2). Last evaluated 2023-04-26.

Conditions:
Cardiovascular phenotype. Identifiers: MedGen CN230736.

Allele frequency attached by ClinVar (database versions not stated): ExAC 0.00010; TOPMed 0.00013; 1000 Genomes Project 30x 0.00016; gnomAD 0.00016 and 0.00018; ESP Exome Variant Server 0.00017; 1000 Genomes Project 0.00020.

Submissions (2):

Labcorp Genetics (formerly Invitae), Labcorp
Classification: Uncertain significance. Last evaluated: 2023-04-26. Review status: criteria provided, single submitter. Criteria: Invitae Variant Classification Sherloc (09022015). Collection method: clinical testing. Allele origin: germline.
Comment: In summary, the available evidence is currently insufficient to determine the role of this variant in disease. Therefore, it has been classified as a Variant of Uncertain Significance. An algorithm developed to predict the effect of missense changes on protein structure and function (PolyPhen-2) suggests that this variant is likely to be disruptive. ClinVar contains an entry for this variant (Variation ID: 1406515). This variant has not been reported in the literature in individuals affected with LMF1-related conditions. The frequency data for this variant in the population databases is considered unreliable, as metrics indicate poor data quality at this position in the gnomAD database. This sequence change replaces arginine, which is basic and polar, with tryptophan, which is neutral and slightly polar, at codon 230 of the LMF1 protein (p.Arg230Trp).

Ambry Genetics
Classification: Uncertain significance for Cardiovascular phenotype. Last evaluated: 2022-09-13. Review status: criteria provided, single submitter. Criteria: Ambry Variant Classification Scheme 2023. Collection method: clinical testing. Allele origin: germline.
Comment: The p.R230W variant (also known as c.688C>T), located in coding exon 5 of the LMF1 gene, results from a C to T substitution at nucleotide position 688. The arginine at codon 230 is replaced by tryptophan, an amino acid with dissimilar properties. This amino acid position is conserved. In addition, this alteration is predicted to be tolerated by in silico analysis. Since supporting evidence is limited at this time, the clinical significance of this alteration remains unclear.

NM_022773.4(LMF1):c.688C>T (p.Arg230Trp)

Gene: LMF1 (lipase maturation factor 1; minus strand). Cytogenetic location: 16p13.3.
Variant type: single nucleotide variant.
Coding change: c.688C>T on transcript NM_022773.4 (MANE Select); coding-DNA position 688, C replaced by T.
Protein change: p.Arg230Trp; replaces arginine 230 with tryptophan.
Molecular consequence: missense variant. On other transcripts: non-coding transcript variant (1).
Genome position (GRCh38, 1-based): chr16:893,048, G>A on the plus strand (C>T on the coding strand, the complement: LMF1 is on the minus strand). VCF-style: chr16-893048-G-A. GRCh37 (hg19) VCF-style: chr16-943048-G-A.
Other names: c.37C>T, p.Arg13Trp (NM_001352017.2, NM_001352021.2); c.289C>T, p.Arg97Trp (NM_001352018.2); c.361C>T, p.Arg121Trp (NM_001352019.2); c.688C>T, p.Arg230Trp (NM_001352020.1); short protein forms R97W, R13W, R230W, R121W.
Identifiers: ClinVar variation 1406515 (VCV001406515.6), dbSNP rs376563644, ClinGen allele CA7797410.